The following is an entry in ClinVar:

ClinVar aggregate classification (germline): Uncertain significance (1 of 4 stars; one submission).

Conditions:
MYH9-related disorder. Identifiers: MedGen C1854520.

Allele frequency attached by ClinVar (database versions not stated): gnomAD exomes below 0.00001.
gnomAD v4.1: 5 of 1,614,184 alleles (0.00031%); highest among the groups gnomAD compares: Non-Finnish European, 0.00042%; no homozygotes.

Submission:

PreventionGenetics, part of Exact Sciences
Classification: Uncertain significance for MYH9-related condition. Last evaluated: 2023-08-18. Review status: criteria provided, single submitter. Criteria: ACMG Guidelines, 2015. Collection method: clinical testing. Allele origin: germline.
Comment: The MYH9 c.4187G>T variant is predicted to result in the amino acid substitution p.Gly1396Val. To our knowledge, this variant has not been reported in the literature or in a large population database, indicating this variant is rare. At this time, the clinical significance of this variant is uncertain due to the absence of conclusive functional and genetic evidence.

NM_002473.6(MYH9):c.4187G>T (p.Gly1396Val)

Gene: MYH9 (myosin heavy chain 9; minus strand). Cytogenetic location: 22q12.3.
Variant type: single nucleotide variant.
Coding change: c.4187G>T on transcript NM_002473.6 (MANE Select); coding-DNA position 4187, G replaced by T.
Protein change: p.Gly1396Val; replaces glycine 1396 with valine.
Molecular consequence: missense variant.
Genome position (GRCh38, 1-based): chr22:36,292,143, C>A on the plus strand (G>T on the coding strand, the complement: MYH9 is on the minus strand). VCF-style: chr22-36292143-C-A. GRCh37 (hg19) VCF-style: chr22-36688189-C-A.
Other names: short protein forms G1396V.
Identifiers: ClinVar variation 2632498 (VCV002632498.1), dbSNP rs2517958329, ClinGen allele CA411382906.